The following is an entry in ClinVar:

NM_001164508.2(NEB):c.9775_9776del (p.Arg3259fs)

Gene: NEB (nebulin; minus strand). Cytogenetic location: 2q23.3.
Variant type: Deletion.
Coding change: c.9775_9776del on transcript NM_001164508.2 (MANE Select); coding-DNA positions 9775 to 9776, 2 bases deleted (CG; older notation c.9775_9776delCG).
Protein change: p.Arg3259fs; shifts the reading frame from arginine 3259.
Molecular consequence: frameshift variant.
Genome position (GRCh38, 1-based): chr2:151,629,594-151,629,595, CG deleted on the plus strand (CG on the coding strand, the reverse complement: NEB is on the minus strand); deleting any 2 consecutive bases within chr2:151,629,594-151,629,596 gives the same sequence; the c. name uses the placement nearest the transcript's 3' end. VCF-style (leftmost placement, unchanged base first): chr2-151629593-TCG-T. GRCh37 (hg19) VCF-style: chr2-152486107-TCG-T.
Other names: c.9775_9776del, p.Arg3259fs (NM_001164507.2, NM_001271208.2); c.9046_9047del, p.Arg3016fs (NM_004543.5); short protein forms R3016fs, R3259fs.
Identifiers: ClinVar variation 1725721 (VCV001725721.2), dbSNP rs2552237548, ClinGen allele CA2580064118.
Genomic context (GRCh38, chr2:151,629,593, plus strand): 5'-ACTCACATCACTGATAACGTCCCTGGAGGCCTTGGCAGCCACGATGGGGATGGCGTCACT[TCG>T]CAAGTCGTAGCCTTTCTTTTTTGCTTCTTCATTGGCAAGTTTGTATAGAGTCTATGAAAA-3'

ClinVar aggregate classification (germline): Likely pathogenic (1 of 4 stars; one submission).

Conditions:
Nemaline myopathy 2 (NEM2). Also called: Nemaline myopathy 2, autosomal recessive. Identifiers: MedGen C1850569, MONDO:0009725, OMIM 256030.

Submission:

Myriad Genetics, Inc.
Classification: Likely pathogenic for Nemaline myopathy 2. Last evaluated: 2022-03-31. Review status: criteria provided, single submitter. Criteria: Myriad Women's Health Autosomal Recessive and X-Linked Classification Criteria (2021). Collection method: clinical testing. Allele origin: unknown.
Comment: NM_001271208.1(NEB):c.9775_9776delCG(R3259Kfs*2) is expected to be pathogenic in the context of NEB-related nemaline myopathy. This variant is predicted to lead to an abnormal or absent protein product due to the creation of a premature termination codon in NEB, a gene where loss-of-function variants are known to be pathogenic. Please note: this variant was assessed in the context of healthy population screening.